The following is an entry in ClinVar:

ClinVar aggregate classification (germline): Uncertain significance (1 of 4 stars; one submission).

Conditions:
Hereditary diffuse gastric adenocarcinoma (HDGC). Also called: DIFFUSE GASTRIC AND LOBULAR BREAST CANCER SYNDROME. Identifiers: Orphanet 26106, MedGen C1708349, MONDO:0007648, OMIM 137215.

Submission:

Labcorp Genetics (formerly Invitae), Labcorp
Classification: Uncertain significance for Hereditary diffuse gastric adenocarcinoma. Last evaluated: 2017-05-02. Review status: criteria provided, single submitter. Criteria: Invitae Variant Classification Sherloc (09022015). Collection method: clinical testing. Allele origin: germline.
Comment: This sequence change replaces proline with leucine at codon 573 of the CDH1 protein (p.Pro573Leu). The proline residue is highly conserved and there is a moderate physicochemical difference between proline and leucine. This variant is not present in population databases (ExAC no frequency) and has not been reported in the literature in individuals with a CDH1-related disease. Algorithms developed to predict the effect of missense changes on protein structure and function output the following: SIFT: "Tolerated"; PolyPhen-2: "Benign"; Align-GVGD: "Class C0". The leucine amino acid residue is found in multiple mammalian species, suggesting that this missense change does not adversely affect protein function. These predictions have not been confirmed by published functional studies. In summary, this variant is a novel missense change that is not predicted to affect protein function. There is no indication that it causes disease, but the available evidence is currently insufficient to prove that conclusively. Therefore, it has been classified as a Variant of Uncertain Significance.

NM_004360.5(CDH1):c.1718C>T (p.Pro573Leu)

Gene: CDH1 (cadherin 1; plus strand). Cytogenetic location: 16q22.1.
Variant type: single nucleotide variant.
Coding change: c.1718C>T on transcript NM_004360.5 (MANE Select); coding-DNA position 1718, C replaced by T.
Protein change: p.Pro573Leu; replaces proline 573 with leucine.
Molecular consequence: missense variant. On other transcripts: 5 prime UTR variant (1).
Genome position (GRCh38, 1-based): chr16:68,822,007, C>T. VCF-style: chr16-68822007-C-T. GRCh37 (hg19) VCF-style: chr16-68855910-C-T.
Other names: c.1718C>T (LRG_301t1); c.1535C>T, p.Pro512Leu (NM_001317184.2); c.170C>T, p.Pro57Leu (NM_001317185.2); c.-248C>T (NM_001317186.2); short protein forms P573L, P57L, P512L.
Identifiers: ClinVar variation 463729 (VCV000463729.9), dbSNP rs1555516819, ClinGen allele CA396466186.